The following is an entry in ClinVar:

ClinVar aggregate classification (germline): Pathogenic (1 of 4 stars; one submission).

Submission:

Labcorp Genetics (formerly Invitae), Labcorp
Classification: Pathogenic. Last evaluated: 2023-12-07. Review status: criteria provided, single submitter. Criteria: Invitae Variant Classification Sherloc (09022015). Collection method: clinical testing. Allele origin: germline.
Comment: This sequence change creates a premature translational stop signal (p.Ser2226Cysfs*12) in the ARID1B gene. While this is not anticipated to result in nonsense mediated decay, it is expected to disrupt the last 24 amino acid(s) of the ARID1B protein. This variant is not present in population databases (gnomAD no frequency). This variant has not been reported in the literature in individuals affected with ARID1B-related conditions. This variant disrupts a region of the ARID1B protein in which other variant(s) (p.Ser2311*) have been determined to be pathogenic (PMID: 31981384). This suggests that this is a clinically significant region of the protein, and that variants that disrupt it are likely to be disease-causing. For these reasons, this variant has been classified as Pathogenic.

Literature cited by the submitters: PubMed 31981384.

NM_001374828.1(ARID1B):c.7046_7056del (p.Ser2349fs)

Gene: ARID1B (AT-rich interaction domain 1B; plus strand). Cytogenetic location: 6q25.3.
Variant type: Deletion.
Coding change: c.7046_7056del on transcript NM_001374828.1 (MANE Select); coding-DNA positions 7046 to 7056, 11 bases deleted (CGATATCAGCT).
Protein change: p.Ser2349fs; shifts the reading frame from serine 2349.
Molecular consequence: frameshift variant.
Genome position (GRCh38, 1-based): chr6:157,207,818-157,207,828, CGATATCAGCT deleted; deleting any 11 consecutive bases within chr6:157,207,816-157,207,828 gives the same sequence; the c. name uses the placement nearest the transcript's 3' end. VCF-style (leftmost placement, unchanged base first): chr6-157207815-TCTCGATATCAG-T. GRCh37 (hg19) VCF-style: chr6-157528949-TCTCGATATCAG-T.
Other names: c.6797_6807delCGATATCAGCT, p.Ser2266Cysfs (NM_001346813.1); c.4547_4557del, p.Ser1516fs (NM_001363725.2); c.6926_6936del, p.Ser2309fs (NM_001371656.1, NM_001374820.1); c.6887_6897del, p.Ser2296fs (NM_017519.3); c.6677_6687delCGATATCAGCT, p.Ser2226Cysfs (NM_020732.3); c.6464_6474delCGATATCAGCT, p.Ser2155Cysfs (NM_175863.2); short protein forms S2309fs, S2349fs, S1516fs, S2296fs.
Identifiers: ClinVar variation 2816220 (VCV002816220.3), dbSNP rs2538795673, ClinGen allele CA2739266213.
Genomic context (GRCh38, chr6:157,207,815, plus strand): 5'-TGGCCAGAGTGGACGAAAACCGCTCGGAATTCCTTTTGCACGAGGGCCGGTTGCTGGATA[TCTCGATATCAG>T]CTGTCCTGAACTCTCTGGTTGCATCTGTCATCTGTGATGTACTGTTTCAGATTGGGCAGT-3'